The following is an entry in ClinVar:

NM_001035.3(RYR2):c.12259T>C (p.Phe4087Leu)

Gene: RYR2 (ryanodine receptor 2; plus strand). Cytogenetic location: 1q43.
Variant type: single nucleotide variant.
Coding change: c.12259T>C on transcript NM_001035.3 (MANE Select); coding-DNA position 12259, T replaced by C.
Protein change: p.Phe4087Leu; replaces phenylalanine 4087 with leucine.
Molecular consequence: missense variant.
Genome position (GRCh38, 1-based): chr1:237,783,971, T>C. VCF-style: chr1-237783971-T-C. GRCh37 (hg19) VCF-style: chr1-237947271-T-C.
Other names: short protein forms F4087L.
Identifiers: ClinVar variation 3766443 (VCV003766443.1).

ClinVar aggregate classification (germline): Likely pathogenic (1 of 4 stars; one submission).

Conditions:
Catecholaminergic polymorphic ventricular tachycardia 1. Also called: VENTRICULAR TACHYCARDIA, CATECHOLAMINERGIC POLYMORPHIC, 1, WITH OR WITHOUT ATRIAL DYSFUNCTION AND/OR DILATED CARDIOMYOPATHY; RYR2-Related Catecholaminergic Polymorphic Ventricular Tachycardia; VENTRICULAR TACHYCARDIA, STRESS-INDUCED POLYMORPHIC 1. Identifiers: Orphanet 3286, MedGen C1631597, MONDO:0011484, OMIM 604772.

gnomAD v4.1: 1 of 1,613,820 alleles (0.000062%); highest among the groups gnomAD compares: Admixed American, 0.0017%; no homozygotes.

Submission:

Molecular Genetics Laboratory, Motol Hospital
Classification: Likely pathogenic for Catecholaminergic polymorphic ventricular tachycardia 1. Last evaluated: 2025-02-21. Review status: criteria provided, single submitter. Criteria: ACMG Guidelines, 2015. Collection method: clinical testing. Allele origin: de novo. Affected: yes. Observed: 1 variant allele.
Comment: Rare variant not present in ClinVar so far, 1x present in gnomAD (4.1.0), not in non-Finnish European population. ACMG PS2, PM2, PP3.

Literature cited by the submitters: PubMed 17875969; PubMed 11208676.